The following is an entry in ClinVar:

NM_024334.3(TMEM43):c.401C>A (p.Thr134Asn)

Gene: TMEM43 (transmembrane protein 43; plus strand). Cytogenetic location: 3p25.1.
Variant type: single nucleotide variant.
Coding change: c.401C>A on transcript NM_024334.3 (MANE Select); coding-DNA position 401, C replaced by A.
Protein change: p.Thr134Asn; replaces threonine 134 with asparagine.
Molecular consequence: missense variant.
Genome position (GRCh38, 1-based): chr3:14,132,554, C>A. VCF-style: chr3-14132554-C-A. GRCh37 (hg19) VCF-style: chr3-14174054-C-A.
Other names: short protein forms T134N.
Identifiers: ClinVar variation 1401731 (VCV001401731.11), dbSNP rs778405877, ClinGen allele CA053423.
Genomic context (GRCh38, chr3:14,132,554, plus strand): 5'-ACTGCCTGGGGCGACGAGGCTAACCCCCGTGGCTGCTTTGCTTTCCCTGCAGGGAGTACA[C>A]CGAGGATGGGCAGGTGAAGAAGGAGACGAGGTATTCCTACAGTGAGTGCTGGGCCCCTTA-3'
Protein context (NP_077310.1, residues 124-144): WVETEESREY[Thr134Asn]EDGQVKKETR

ClinVar aggregate classification (germline): Uncertain significance. Review status: criteria provided, multiple submitters, no conflicts (2 of 4 stars). 4 submissions from 4 submitters: Uncertain significance (4). Last evaluated 2024-05-21.

Conditions:
Cardiovascular phenotype. Identifiers: MedGen CN230736.
Cardiomyopathy (CMYO). Also called: Cardiomyopathies. Identifiers: Orphanet 167848, MedGen C0878544, MONDO:0004994, HP:0001638. Inheritance: Various modes of inheritance.
Arrhythmogenic right ventricular dysplasia 5. Also called: Arrhythmogenic Right Ventricular Dysplasia/Cardiomyopathy 5; ARRHYTHMOGENIC RIGHT VENTRICULAR DYSPLASIA, FAMILIAL, 5. Identifiers: MedGen C1858379, MONDO:0011459, OMIM 604400.

Allele frequency attached by ClinVar (database versions not stated): ExAC 0.00002; gnomAD 0.00001; gnomAD exomes 0.00001.
gnomAD v4.1: 2 of 1,614,010 alleles (0.00012%); highest among the groups gnomAD compares: Admixed American, 0.0033%; no homozygotes.

Submissions (4):

Labcorp Genetics (formerly Invitae), Labcorp
Classification: Uncertain significance for Arrhythmogenic right ventricular dysplasia 5. Last evaluated: 2024-05-21. Review status: criteria provided, single submitter. Criteria: Invitae Variant Classification Sherloc (09022015). Collection method: clinical testing. Allele origin: germline.
Comment: This sequence change replaces threonine, which is neutral and polar, with asparagine, which is neutral and polar, at codon 134 of the TMEM43 protein (p.Thr134Asn). This variant is present in population databases (rs778405877, gnomAD 0.009%). This variant has not been reported in the literature in individuals affected with TMEM43-related conditions. ClinVar contains an entry for this variant (Variation ID: 1401731). Advanced modeling of protein sequence and biophysical properties (such as structural, functional, and spatial information, amino acid conservation, physicochemical variation, residue mobility, and thermodynamic stability) performed at Invitae indicates that this missense variant is not expected to disrupt TMEM43 protein function with a negative predictive value of 80%. In summary, the available evidence is currently insufficient to determine the role of this variant in disease. Therefore, it has been classified as a Variant of Uncertain Significance.

All of Us Research Program, National Institutes of Health
Classification: Uncertain significance for Arrhythmogenic right ventricular dysplasia 5. Last evaluated: 2024-04-16. Review status: criteria provided, single submitter. Criteria: ACMG Guidelines, 2015. Collection method: clinical testing. Allele origin: germline. Inheritance: Autosomal dominant inheritance. Observed: 3 variant alleles, 3 heterozygotes.
Comment: This missense variant replaces threonine with asparagine at codon 134 of the TMEM43 protein. Computational prediction suggests that this variant may not impact protein structure and function (internally defined REVEL score threshold <= 0.5, PMID: 27666373). To our knowledge, functional studies have not been reported for this variant. This variant has not been reported in individuals affected with TMEM43-related disorders in the literature. This variant has been identified in 3/251402 chromosomes in the general population by the Genome Aggregation Database (gnomAD). The available evidence is insufficient to determine the role of this variant in disease conclusively. Therefore, this variant is classified as a Variant of Uncertain Significance.

This study involves interpretation of variants in research participants for the purpose of population health screening. Participant phenotype was not available at the time of variant classification. Additional details can be found in publication PMID: 35346344, PMCID: PMC8962531

Color Diagnostics, LLC DBA Color Health
Classification: Uncertain significance for Cardiomyopathy. Last evaluated: 2024-03-28. Review status: criteria provided, single submitter. Criteria: ACMG Guidelines, 2015. Collection method: clinical testing. Allele origin: germline.
Comment: This missense variant replaces threonine with asparagine at codon 134 of the TMEM43 protein. Computational prediction suggests that this variant may not impact protein structure and function. To our knowledge, functional studies have not been reported for this variant. This variant has not been reported in individuals affected with TMEM43-related disorders in the literature. This variant has been identified in 3/251402 chromosomes in the general population by the Genome Aggregation Database (gnomAD). The available evidence is insufficient to determine the role of this variant in disease conclusively. Therefore, this variant is classified as a Variant of Uncertain Significance.

Ambry Genetics
Classification: Uncertain significance for Cardiovascular phenotype. Last evaluated: 2021-02-16. Review status: criteria provided, single submitter. Criteria: Ambry Variant Classification Scheme 2023. Collection method: clinical testing. Allele origin: germline.
Comment: The p.T134N variant (also known as c.401C>A), located in coding exon 5 of the TMEM43 gene, results from a C to A substitution at nucleotide position 401. The threonine at codon 134 is replaced by asparagine, an amino acid with similar properties. This amino acid position is not well conserved in available vertebrate species, and asparagine is the reference amino acid in other vertebrate species. In addition, this alteration is predicted to be tolerated by in silico analysis. Since supporting evidence is limited at this time, the clinical significance of this alteration remains unclear.